The following is an entry in ClinVar:

ClinVar aggregate classification (germline): Conflicting classifications of pathogenicity. Review status: criteria provided, conflicting classifications (1 of 4 stars). 2 submissions from 2 submitters: Uncertain significance (1); Likely benign (1). Last evaluated 2024-02-22.

Allele frequency attached by ClinVar (database versions not stated): ExAC 0.00002; gnomAD 0.00011; TOPMed 0.00012; 1000 Genomes Project 0.00020; ESP Exome Variant Server 0.00023; 1000 Genomes Project 30x 0.00031.

Submissions (2):

Blueprint Genetics
Classification: Likely benign. Last evaluated: 2024-02-22. Review status: criteria provided, single submitter. Criteria: ACMG Guidelines, 2015. Collection method: clinical testing. Allele origin: germline.

Labcorp Genetics (formerly Invitae), Labcorp
Classification: Uncertain significance. Last evaluated: 2023-08-04. Review status: criteria provided, single submitter. Criteria: Invitae Variant Classification Sherloc (09022015). Collection method: clinical testing. Allele origin: germline.
Comment: This variant is present in population databases (rs372068777, gnomAD 0.05%). In summary, the available evidence is currently insufficient to determine the role of this variant in disease. Therefore, it has been classified as a Variant of Uncertain Significance. Variants that disrupt the consensus splice site are a relatively common cause of aberrant splicing (PMID: 17576681, 9536098). Algorithms developed to predict the effect of sequence changes on RNA splicing suggest that this variant may create or strengthen a splice site. ClinVar contains an entry for this variant (Variation ID: 1921670). This variant has not been reported in the literature in individuals affected with NDUFS2-related conditions. This sequence change falls in intron 11 of the NDUFS2 gene. It does not directly change the encoded amino acid sequence of the NDUFS2 protein. It affects a nucleotide within the consensus splice site.

Literature cited by the submitters: PubMed 17576681 (cited by Labcorp Genetics (formerly Invitae), Labcorp); PubMed 9536098 (cited by Labcorp Genetics (formerly Invitae), Labcorp).

NM_001377299.1(NDUFS2):c.1116+6C>G

Gene: NDUFS2 (NADH:ubiquinone oxidoreductase core subunit S2; plus strand). Cytogenetic location: 1q23.3.
Variant type: single nucleotide variant.
Coding change: c.1116+6C>G on transcript NM_001377299.1 (MANE Select); 6 bases into the intron after coding-DNA position 1116, C replaced by G.
Molecular consequence: intron variant.
Genome position (GRCh38, 1-based): chr1:161,212,486, C>G. VCF-style: chr1-161212486-C-G. GRCh37 (hg19) VCF-style: chr1-161182276-C-G.
Other names: c.1116+6C>G (NM_001377300.1, NM_001377298.1, NM_001377301.1 and 3 more transcripts).
Identifiers: ClinVar variation 1921670 (VCV001921670.6), dbSNP rs372068777, ClinGen allele CA1208775.